The following is an entry in ClinVar:

ClinVar aggregate classification (germline): Likely benign (1 of 4 stars; one submission).

Allele frequency attached by ClinVar (database versions not stated): ExAC 0.00043; TOPMed 0.00053; gnomAD 0.00056; ESP Exome Variant Server 0.00085; gnomAD exomes 0.00095.
gnomAD v4.1: 1,498 of 1,614,116 alleles (0.093%); highest among the groups gnomAD compares: Non-Finnish European, 0.12%; 1 homozygote.

Submission:

CeGaT Center for Human Genetics Tuebingen
Classification: Likely benign. Last evaluated: 2022-12-01. Review status: criteria provided, single submitter. Criteria: CeGaT Center For Human Genetics Tuebingen Variant Classification Criteria Version 2. Collection method: clinical testing. Allele origin: germline. Affected: yes. Observed: 1 variant allele.
Comment: PCDHAC1: BP4, BP7

NM_018898.5(PCDHAC1):c.1671T>C (p.Phe557=)

Genes: PCDHA1 (protocadherin alpha 1; plus strand), PCDHA10 (protocadherin alpha 10; plus strand), PCDHA11 (protocadherin alpha 11; plus strand), PCDHA12 (protocadherin alpha 12; plus strand), PCDHA6 (protocadherin alpha 6; plus strand) and 10 more. Cytogenetic location: 5q31.3.
Variant type: single nucleotide variant.
Coding change: c.1671T>C on transcript NM_018898.5 (MANE Select); coding-DNA position 1671, T replaced by C.
Protein change: p.Phe557=; no amino-acid change (phenylalanine 557 retained).
Molecular consequence: synonymous variant. On other transcripts: intron variant (16).
Genome position (GRCh38, 1-based): chr5:140,928,563, T>C. VCF-style: chr5-140928563-T-C. GRCh37 (hg19) VCF-style: chr5-140308148-T-C.
Other names: c.1671T>C, p.Phe557= (NM_031882.4); c.2395-50386T>C (NM_018900.4, NM_018906.3, NM_018909.4 and 2 more transcripts); c.1603-50386T>C (NM_031411.3, NM_031849.3); c.2389-50386T>C (NM_018905.3, NM_018901.4); c.2386-50386T>C (NM_018907.4); c.2353-50386T>C (NM_018908.3); c.2356-50386T>C (NM_018910.3); c.1600-50386T>C (NM_031860.3); and 3 more.
Identifiers: ClinVar variation 2655802 (VCV002655802.24), dbSNP rs138980511, ClinGen allele CA3453853.